The following is an entry in ClinVar:

ClinVar aggregate classification (germline): Uncertain significance (1 of 4 stars; one submission).

Allele frequency attached by ClinVar (database versions not stated): gnomAD exomes below 0.00001; TOPMed below 0.00001; ExAC 0.00001.

Submission:

Labcorp Genetics (formerly Invitae), Labcorp
Classification: Uncertain significance. Last evaluated: 2024-02-16. Review status: criteria provided, single submitter. Criteria: Invitae Variant Classification Sherloc (09022015). Collection method: clinical testing. Allele origin: germline.
Comment: This sequence change replaces glutamic acid, which is acidic and polar, with lysine, which is basic and polar, at codon 574 of the MYO18B protein (p.Glu574Lys). The frequency data for this variant in the population databases is considered unreliable, as metrics indicate poor data quality at this position in the gnomAD database. This variant has not been reported in the literature in individuals affected with MYO18B-related conditions. ClinVar contains an entry for this variant (Variation ID: 1510230). An algorithm developed to predict the effect of missense changes on protein structure and function (PolyPhen-2) suggests that this variant is likely to be disruptive. In summary, the available evidence is currently insufficient to determine the role of this variant in disease. Therefore, it has been classified as a Variant of Uncertain Significance.

NM_032608.7(MYO18B):c.1720G>A (p.Glu574Lys)

Gene: MYO18B (myosin XVIIIB; plus strand). Cytogenetic location: 22q12.1.
Variant type: single nucleotide variant.
Coding change: c.1720G>A on transcript NM_032608.7 (MANE Select); coding-DNA position 1720, G replaced by A.
Protein change: p.Glu574Lys; replaces glutamic acid 574 with lysine.
Molecular consequence: missense variant.
Genome position (GRCh38, 1-based): chr22:25,772,361, G>A. VCF-style: chr22-25772361-G-A. GRCh37 (hg19) VCF-style: chr22-26168328-G-A.
Other names: c.1720G>A, p.Glu574Lys (NM_001318245.2); short protein forms E574K.
Identifiers: ClinVar variation 1510230 (VCV001510230.6), dbSNP rs751222865, ClinGen allele CA10159934.